The following is an entry in ClinVar:

ClinVar aggregate classification (germline): Uncertain significance. Review status: criteria provided, multiple submitters, no conflicts (2 of 4 stars). 4 submissions from 4 submitters: Uncertain significance (3). 1 of the submissions does not count toward it. Last evaluated 2022-08-12.

Conditions:
Primary ciliary dyskinesia. Also called: Ciliary dyskinesia. Identifiers: Orphanet 244, MedGen C0008780, MONDO:0016575, HP:0012265.

Allele frequency attached by ClinVar (database versions not stated): gnomAD 0.00001; TOPMed 0.00001; ExAC 0.00002.
gnomAD v4.1: 21 of 1,612,180 alleles (0.0013%); highest among the groups gnomAD compares: South Asian, 0.0033%; no homozygotes.

Submissions (4):

Blueprint Genetics
Classification: Uncertain significance. Last evaluated: 2022-08-12. Review status: criteria provided, single submitter. Criteria: ACMG Guidelines, 2015. Collection method: clinical testing. Allele origin: germline.

Labcorp Genetics (formerly Invitae), Labcorp
Classification: Uncertain significance for Primary ciliary dyskinesia. Last evaluated: 2021-09-01. Review status: criteria provided, single submitter. Criteria: Invitae Variant Classification Sherloc (09022015). Collection method: clinical testing. Allele origin: germline.
Comment: This sequence change replaces arginine with tryptophan at codon 515 of the DNAI2 protein (p.Arg515Trp). The arginine residue is highly conserved and there is a moderate physicochemical difference between arginine and tryptophan. This variant is present in population databases (rs748717910, ExAC 0.01%). This variant has not been reported in the literature in individuals affected with DNAI2-related conditions. Algorithms developed to predict the effect of missense changes on protein structure and function are either unavailable or do not agree on the potential impact of this missense change (SIFT: "Deleterious"; PolyPhen-2: "Probably Damaging"; Align-GVGD: "Class C0"). In summary, the available evidence is currently insufficient to determine the role of this variant in disease. Therefore, it has been classified as a Variant of Uncertain Significance.

Ambry Genetics
Classification: Uncertain significance for Primary ciliary dyskinesia. Last evaluated: 2014-09-03. Review status: criteria provided, single submitter. Criteria: Ambry Variant Classification Scheme 2023. Collection method: clinical testing. Allele origin: germline.
Comment: The p.R515W variant (also known as c.1543C>T), located in coding exon 11 of the DNAI2 gene, results from a C to T substitution at nucleotide position 1543. The arginine at codon 515 is replaced by tryptophan, an amino acid with dissimilar properties. This variant was not reported in population based cohorts in the following databases: Database of Single Nucleotide Polymorphisms (dbSNP), NHLBI Exome Sequencing Project (ESP), and 1000 Genomes Project. In the ESP, this variant was not observed in 6503 samples (13006 alleles) with coverage at this position. This nucleotide position is well conserved in available vertebrate species. This amino acid position is completely conserved on sequence alignment. In addition, the in silico prediction for this alteration is inconclusive. Since supporting evidence is limited at this time, the clinical significance of p.R515W remains unclear.

Natera, Inc.
Classification: Uncertain significance for Primary ciliary dyskinesia. Last evaluated: 2020-10-15. Review status: no assertion criteria provided. Collection method: clinical testing. Allele origin: germline. Not counted in ClinVar's aggregate classification.

NM_023036.6(DNAI2):c.1543C>T (p.Arg515Trp)

Gene: DNAI2 (dynein axonemal intermediate chain 2; plus strand). Cytogenetic location: 17q25.1.
Variant type: single nucleotide variant.
Coding change: c.1543C>T on transcript NM_023036.6 (MANE Select); coding-DNA position 1543, C replaced by T.
Protein change: p.Arg515Trp; replaces arginine 515 with tryptophan.
Molecular consequence: missense variant. On other transcripts: non-coding transcript variant (1).
Genome position (GRCh38, 1-based): chr17:74,312,051, C>T. VCF-style: chr17-74312051-C-T. GRCh37 (hg19) VCF-style: chr17-72308190-C-T.
Other names: c.1507C>T, p.Arg503Trp (NM_001172810.3); c.1543C>T, p.Arg515Trp (NM_001353167.2); short protein forms R503W, R515W.
Identifiers: ClinVar variation 651048 (VCV000651048.13), dbSNP rs748717910, ClinGen allele CA8745827.